The following is an entry in ClinVar:

ClinVar aggregate classification (germline): Uncertain significance (1 of 4 stars; one submission).

Submission:

Women's Health and Genetics/Laboratory Corporation of America, LabCorp
Classification: Uncertain significance. Last evaluated: 2025-03-21. Review status: criteria provided, single submitter. Criteria: LabCorp Variant Classification Summary - May 2015. Collection method: clinical testing. Allele origin: germline.
Comment: Variant summary: PKD1 c.6016T>C (p.Trp2006Arg) results in a non-conservative amino acid change in the encoded protein sequence. Five of five in-silico tools predict a damaging effect of the variant on protein function. The variant was absent in 240714 control chromosomes (gnomAD). The available data on variant occurrences in the general population are insufficient to allow any conclusion about variant significance. c.6016T>C has been reported in the literature in an individual(s) affected with Polycystic Kidney Disease (Kimura_2023). These report(s) do not provide unequivocal conclusions about association of the variant with Polycystic Kidney Disease 1. To our knowledge, no experimental evidence demonstrating an impact on protein function has been reported. The following publication has been ascertained in the context of this evaluation (PMID: 37509056). No submitters have cited clinical-significance assessments for this variant to ClinVar. Based on the evidence outlined above, the variant was classified as uncertain significance.

Literature cited by the submitters: PubMed 37509056.

NM_001009944.3(PKD1):c.6016T>C (p.Trp2006Arg)

Gene: PKD1 (polycystin 1, transient receptor potential channel interacting; minus strand). Cytogenetic location: 16p13.3.
Variant type: single nucleotide variant.
Coding change: c.6016T>C on transcript NM_001009944.3 (MANE Select); coding-DNA position 6016, T replaced by C.
Protein change: p.Trp2006Arg; replaces tryptophan 2006 with arginine.
Molecular consequence: missense variant.
Genome position (GRCh38, 1-based): chr16:2,109,151, A>G on the plus strand (T>C on the coding strand, the complement: PKD1 is on the minus strand). VCF-style: chr16-2109151-A-G. GRCh37 (hg19) VCF-style: chr16-2159152-A-G.
Other names: c.6016T>C, p.Trp2006Arg (NM_000296.4); short protein forms W2006R.
Identifiers: ClinVar variation 3896042 (VCV003896042.1).
Genomic context (GRCh38, chr16:2,109,151, plus strand): 5'-CGTCGCGGCCCGACAGGATGACCAGCGAGTCGCCCTGGACCTTCTGCAGCGAGAAGTACC[A>G]GGCGTAGGCGACCCGAGAGCCGCGCTGCACGCGGGCTGTGAAGTTCCTCTCAGTGCCCGT-3'
Protein context (NP_001009944.3, residues 1996-2016): VQRGSRVAYA[Trp2006Arg]YFSLQKVQGD